The following is an entry in ClinVar:

NM_000297.4(PKD2):c.491G>A (p.Cys164Tyr)

Genes: PKD2 (polycystin 2, transient receptor potential cation channel; plus strand), LOC129992813 (ATAC-STARR-seq lymphoblastoid silent region 15559; plus strand). Cytogenetic location: 4q22.1.
Variant type: single nucleotide variant.
Coding change: c.491G>A on transcript NM_000297.4 (MANE Select); coding-DNA position 491, G replaced by A.
Protein change: p.Cys164Tyr; replaces cysteine 164 with tyrosine.
Molecular consequence: missense variant. On other transcripts: non-coding transcript variant (1).
Genome position (GRCh38, 1-based): chr4:88,008,224, G>A. VCF-style: chr4-88008224-G-A. GRCh37 (hg19) VCF-style: chr4-88929376-G-A.
Other names: short protein forms C164Y.
Identifiers: ClinVar variation 2835740 (VCV002835740.3), dbSNP rs1292550793, ClinGen allele CA357626863.

ClinVar aggregate classification (germline): Uncertain significance (1 of 4 stars; one submission).

Conditions:
Autosomal dominant polycystic kidney disease. Identifiers: Orphanet 730, MedGen C0085413, MONDO:0004691.

gnomAD v4.1: 2 of 1,415,142 alleles (0.00014%); highest among the groups gnomAD compares: South Asian, 0.003%; no homozygotes.

Submission:

Labcorp Genetics (formerly Invitae), Labcorp
Classification: Uncertain significance for Autosomal dominant polycystic kidney disease. Last evaluated: 2023-04-07. Review status: criteria provided, single submitter. Criteria: Invitae Variant Classification Sherloc (09022015). Collection method: clinical testing. Allele origin: germline.
Comment: In summary, the available evidence is currently insufficient to determine the role of this variant in disease. Therefore, it has been classified as a Variant of Uncertain Significance. An algorithm developed to predict the effect of missense changes on protein structure and function (PolyPhen-2) suggests that this variant is likely to be tolerated. This variant has not been reported in the literature in individuals affected with PKD2-related conditions. This variant is not present in population databases (gnomAD no frequency). This sequence change replaces cysteine, which is neutral and slightly polar, with tyrosine, which is neutral and polar, at codon 164 of the PKD2 protein (p.Cys164Tyr).